The following is an entry in ClinVar:

ClinVar aggregate classification (germline): Uncertain significance (1 of 4 stars; one submission).

Allele frequency attached by ClinVar (database versions not stated): gnomAD exomes below 0.00001; gnomAD 0.00005.
gnomAD v4.1: 16 of 1,606,236 alleles (0.001%); highest among the groups gnomAD compares: Non-Finnish European, 0.0012%; no homozygotes.

Submission:

GeneDx
Classification: Uncertain significance. Last evaluated: 2019-06-12. Review status: criteria provided, single submitter. Criteria: GeneDx Variant Classification Process June 2021. Collection method: clinical testing. Allele origin: germline. Affected: yes.
Comment: Has not been previously published as pathogenic or benign to our knowledge; In silico analysis, which includes protein predictors and evolutionary conservation, supports a deleterious effect

NM_002471.4(MYH6):c.3473C>T (p.Ala1158Val)

Gene: MYH6 (myosin heavy chain 6; minus strand). Cytogenetic location: 14q11.2.
Variant type: single nucleotide variant.
Coding change: c.3473C>T on transcript NM_002471.4 (MANE Select); coding-DNA position 3473, C replaced by T.
Protein change: p.Ala1158Val; replaces alanine 1158 with valine.
Molecular consequence: missense variant.
Genome position (GRCh38, 1-based): chr14:23,390,316, G>A on the plus strand (C>T on the coding strand, the complement: MYH6 is on the minus strand). VCF-style: chr14-23390316-G-A. GRCh37 (hg19) VCF-style: chr14-23859525-G-A.
Other names: short protein forms A1158V.
Identifiers: ClinVar variation 1194935 (VCV001194935.2), dbSNP rs1456106460, ClinGen allele CA389006255.